The following is an entry in ClinVar:

ClinVar aggregate classification (germline): Uncertain significance. Review status: criteria provided, multiple submitters, no conflicts (2 of 4 stars). 7 submissions from 7 submitters: Uncertain significance (7). Last evaluated 2025-10-28.

Conditions:
Catecholaminergic polymorphic ventricular tachycardia 1. Also called: VENTRICULAR TACHYCARDIA, STRESS-INDUCED POLYMORPHIC 1; RYR2-Related Catecholaminergic Polymorphic Ventricular Tachycardia; VENTRICULAR TACHYCARDIA, CATECHOLAMINERGIC POLYMORPHIC, 1, WITH OR WITHOUT ATRIAL DYSFUNCTION AND/OR DILATED CARDIOMYOPATHY. Identifiers: Orphanet 3286, MedGen C1631597, MONDO:0011484, OMIM 604772.
Arrhythmogenic right ventricular dysplasia 2. Identifiers: MedGen C1832931.
Ventricular arrhythmias due to cardiac ryanodine receptor calcium release deficiency syndrome. Also called: Autosomal dominant cardiac arrhythmia (Kuhn). Identifiers: MedGen C5542154, MONDO:0020745, OMIM 115000.
Catecholaminergic polymorphic ventricular tachycardia (CVPT). Also called: Catecholamine-induced polymorphic ventricular tachycardia. Identifiers: Orphanet 3286, MedGen C5574922, MONDO:0017990.
Cardiomyopathy (CMYO). Also called: Cardiomyopathies. Identifiers: Orphanet 167848, MedGen C0878544, MONDO:0004994, HP:0001638. Inheritance: Various modes of inheritance.

Submissions (7):

Color Diagnostics, LLC DBA Color Health
Classification: Uncertain significance for Cardiomyopathy. Last evaluated: 2025-10-28. Review status: criteria provided, single submitter. Criteria: ACMG Guidelines, 2015. Collection method: clinical testing. Allele origin: germline.
Comment: This variant causes a deletion of 1 amino acid in the RYR2 protein. To our knowledge, functional studies have not been reported for this variant. This variant has not been reported in individuals affected with RYR2-related disorders in the literature. This variant has been identified in 14/1591908 chromosomes in the general population by the Genome Aggregation Database (gnomAD). The available evidence is insufficient to determine the role of this variant in disease conclusively. Therefore, this variant is classified as a Variant of Uncertain Significance.

Labcorp Genetics (formerly Invitae), Labcorp
Classification: Uncertain significance for Catecholaminergic polymorphic ventricular tachycardia 1. Last evaluated: 2024-08-29. Review status: criteria provided, single submitter. Criteria: Invitae Variant Classification Sherloc (09022015). Collection method: clinical testing. Allele origin: germline.
Comment: This variant, c.13282_13284del, results in the deletion of 1 amino acid(s) of the RYR2 protein (p.Glu4428del), but otherwise preserves the integrity of the reading frame. This variant is present in population databases (rs755465177, gnomAD 0.0009%). This variant has not been reported in the literature in individuals affected with RYR2-related conditions. ClinVar contains an entry for this variant (Variation ID: 222798). Experimental studies and prediction algorithms are not available or were not evaluated, and the functional significance of this variant is currently unknown. In summary, the available evidence is currently insufficient to determine the role of this variant in disease. Therefore, it has been classified as a Variant of Uncertain Significance.

All of Us Research Program, National Institutes of Health
Classification: Uncertain significance for Catecholaminergic polymorphic ventricular tachycardia. Last evaluated: 2023-11-20. Review status: criteria provided, single submitter. Criteria: ACMG Guidelines, 2015. Collection method: clinical testing. Allele origin: germline. Inheritance: Autosomal dominant inheritance. Observed: 2 variant alleles, 2 heterozygotes.
Comment: This variant causes a deletion of 1 amino acid from the RYR2 protein. To our knowledge, functional studies have not been performed for this variant. This variant has not been reported in individuals affected with cardiovascular disorders in the literature. This variant has been identified in 1/244200 chromosomes in the general population by the Genome Aggregation Database (gnomAD). The available evidence is insufficient to determine the role of this variant in disease conclusively. Therefore, this variant is classified as a Variant of Uncertain Significance.

This study involves interpretation of variants in research participants for the purpose of population health screening. Participant phenotype was not available at the time of variant classification. Additional details can be found in publication PMID: 35346344, PMCID: PMC8962531

CHEO Genetics Diagnostic Laboratory, Children's Hospital of Eastern Ontario
Classification: Uncertain significance for Cardiomyopathy. Last evaluated: 2021-10-18. Review status: criteria provided, single submitter. Criteria: ACMG Guidelines, 2015. Collection method: clinical testing. Allele origin: germline.

Fulgent Genetics
Classification: Uncertain significance for Ventricular arrhythmias due to cardiac ryanodine receptor calcium release deficiency syndrome; Catecholaminergic polymorphic ventricular tachycardia 1. Last evaluated: 2021-09-29. Review status: criteria provided, single submitter. Criteria: ACMG Guidelines, 2015. Collection method: clinical testing. Allele origin: unknown.

Revvity Omics, Revvity
Classification: Uncertain significance. Last evaluated: 2020-07-02. Review status: criteria provided, single submitter. Criteria: ACMG Guidelines, 2015. Collection method: clinical testing. Allele origin: germline.

GeneDx
Classification: Uncertain significance. Last evaluated: 2016-11-17. Review status: criteria provided, single submitter. Criteria: GeneDx Variant Classification (06012015). Collection method: clinical testing. Allele origin: germline. Affected: yes.
Comment: The normal sequence with the bases that are deleted in brackets is: AGAA[delGAA]AAGG. A variant of uncertain significance has been identified in the RYR2 gene. The c.13282_13284delGAA variant has not been published as a pathogenic variant, nor has it been reported as a benign variant to our knowledge. This variant was not observed in approximately 5,900 individuals of European and African American ancestry in the NHLBI Exome Sequencing Project, indicating it is not a common benign variant in these populations. The c.13282_13284delGAA variant results in the deletion of a conserved Glutamic acid residue at codon 4428 in the RYR2 gene. However, as this is an in-frame deletion, it is not expected to result in either an abnormal, truncated protein product or loss of protein from this allele through nonsense-mediated mRNA decay. Therefore, based on the currently available information, it is unclear whether this variant is pathogenic or rare benign.

NM_001035.3(RYR2):c.13276GAA[2] (p.Glu4428del)

Gene: RYR2 (ryanodine receptor 2; plus strand). Cytogenetic location: 1q43.
Variant type: Microsatellite.
Coding change: c.13276GAA[2] on transcript NM_001035.3 (MANE Select); two copies in a row of the 3-base unit GAA starting at c.13276; the reference has three copies in a row; one copy, 3 bases deleted; also written c.13282_13284del.
Protein change: p.Glu4428del; deletes glutamic acid 4428.
Molecular consequence: inframe deletion.
Genome position (GRCh38, 1-based): chr1:237,785,990-237,785,992, GAA deleted; deleting any 3 consecutive bases within chr1:237,785,982-237,785,992 gives the same sequence; the position shown is the placement nearest the transcript's 3' end. VCF-style (leftmost placement, unchanged base first): chr1-237785981-AAAG-A. GRCh37 (hg19) VCF-style: chr1-237949281-AAAG-A.
Other names: c.13282_13284del (NM_001035.3, NM_001035.2); short protein forms E4428del.
Identifiers: ClinVar variation 222798 (VCV000222798.36), dbSNP rs869025516, ClinGen allele CA085329.
Genomic context (GRCh38, chr1:237,785,981, plus strand): 5'-AAGGTGATGGGTAATCCTGGTTTTCTTTTCCCCATTGACTCATTCAAGGAACAGAAGGCA[AAAG>A]AAGAAGAAAAGGAAGAAAAAGAAGAAACCAAATCTGAACCTGAAAAAGCCGAGTATGTAT-3'